The following is an entry in ClinVar:

NM_001605.3(AARS1):c.1087G>C (p.Glu363Gln)

Gene: AARS1 (alanyl-tRNA synthetase 1; minus strand). Cytogenetic location: 16q22.1.
Variant type: single nucleotide variant.
Coding change: c.1087G>C on transcript NM_001605.3 (MANE Select); coding-DNA position 1087, G replaced by C.
Protein change: p.Glu363Gln; replaces glutamic acid 363 with glutamine.
Molecular consequence: missense variant.
Genome position (GRCh38, 1-based): chr16:70,267,794, C>G on the plus strand (G>C on the coding strand, the complement: AARS1 is on the minus strand). VCF-style: chr16-70267794-C-G. GRCh37 (hg19) VCF-style: chr16-70301697-C-G.
Other names: short protein forms E363Q.
Identifiers: ClinVar variation 1709475 (VCV001709475.2), dbSNP rs1960298523, ClinGen allele CA396563950.

ClinVar aggregate classification (germline): Uncertain significance (1 of 4 stars; one submission).

Conditions:
Charcot-Marie-Tooth disease axonal type 2N (CMT2N). Also called: Charcot-Marie-Tooth Neuropathy Type 2N; CHARCOT-MARIE-TOOTH DISEASE, AXONAL, AUTOSOMAL DOMINANT, TYPE 2N; CHARCOT-MARIE-TOOTH NEUROPATHY, AXONAL, TYPE 2N. Identifiers: Orphanet 228174, MedGen C2750090, MONDO:0013212, OMIM 613287.

Allele frequency attached by ClinVar (database versions not stated): TOPMed below 0.00001.

Submission:

MGZ Medical Genetics Center
Classification: Uncertain significance for Charcot-Marie-Tooth disease axonal type 2N. Last evaluated: 2022-05-24. Review status: criteria provided, single submitter. Criteria: ACMG Guidelines, 2015. Collection method: clinical testing. Allele origin: germline. Affected: yes. Observed: 1 variant allele.
Comment: ACMG criteria applied: PM2_SUP, PP3